The following is an entry in ClinVar:

NM_005097.4(LGI1):c.216-55T>C

Gene: LGI1 (leucine rich glioma inactivated 1; plus strand). Cytogenetic location: 10q23.33.
Variant type: single nucleotide variant.
Coding change: c.216-55T>C on transcript NM_005097.4 (MANE Select); 55 bases into the intron before coding-DNA position 216, T replaced by C.
Molecular consequence: intron variant.
Genome position (GRCh38, 1-based): chr10:93,758,705, T>C. VCF-style: chr10-93758705-T-C. GRCh37 (hg19) VCF-style: chr10-95518462-T-C.
Other names: c.216-55T>C (NM_001308275.2, NM_001308276.2).
Identifiers: ClinVar variation 464748 (VCV000464748.46), dbSNP rs143132529, ClinGen allele CA211603421.
Genomic context (GRCh38, chr10:93,758,705, plus strand): 5'-AGTGTCAAAATAGTCACTGTTATGCTAAACCGGATTAACATAAGGTTTGTTCTGTGTGTG[T>C]GTGTCTCTTTGTGTGTGTCTGTTTGTTTGTTTTCTCTTTTTTGTTTTCTTTCAGATCCTT-3'

ClinVar aggregate classification (germline): Benign/Likely benign. Review status: criteria provided, multiple submitters, no conflicts (2 of 4 stars). 5 submissions from 5 submitters: Benign (2); Likely benign (3). Last evaluated 2026-09-01.

Conditions:
Autosomal dominant epilepsy with auditory features. Identifiers: Orphanet 101046, MedGen C1838062, MONDO:0010898.
Epilepsy, familial temporal lobe, 1. Identifiers: Orphanet 101046, MedGen CN030884, MONDO:0700090, OMIM 600512.

Allele frequency attached by ClinVar (database versions not stated): 1000 Genomes Project 0.00339; 1000 Genomes Project 30x 0.00344; TOPMed 0.00629; gnomAD 0.00661 and 0.00666; ESP Exome Variant Server 0.00745; gnomAD exomes 0.00839.
gnomAD v4.1: 9,910 of 1,210,304 alleles (0.82%); highest among the groups gnomAD compares: Middle Eastern, 1.7%; 50 homozygotes.

Submissions (5):

CeGaT Center for Human Genetics Tuebingen
Classification: Likely benign. Last evaluated: 2026-09-01. Review status: criteria provided, single submitter. Criteria: CeGaT Center For Human Genetics Tuebingen Variant Classification Criteria Version 2. Collection method: clinical testing. Allele origin: germline. Affected: yes. Observed: 77 variant alleles.
Comment: LGI1: BS2

Labcorp Genetics (formerly Invitae), Labcorp
Classification: Benign for Autosomal dominant epilepsy with auditory features. Last evaluated: 2026-01-05. Review status: criteria provided, single submitter. Criteria: Invitae Variant Classification Sherloc (09022015). Collection method: clinical testing. Allele origin: germline.

ARUP Laboratories, Molecular Genetics and Genomics, ARUP Laboratories
Classification: Benign for Epilepsy, familial temporal lobe, 1. Last evaluated: 2024-11-07. Review status: criteria provided, single submitter. Criteria: ARUP Molecular Germline Variant Investigation Process 2024. Collection method: clinical testing. Allele origin: germline.

Eurofins Ntd Llc (ga)
Classification: Likely benign. Last evaluated: 2017-01-13. Review status: criteria provided, single submitter. Criteria: EGL Classification Definitions 2015. Collection method: clinical testing. Allele origin: germline. Observed: 1 variant allele, 1 heterozygote.

Breakthrough Genomics
Classification: Likely benign. Review status: criteria provided, single submitter. Criteria: ACMG Guidelines, 2015. Collection method: not provided. Allele origin: germline. Inheritance: Autosomal dominant inheritance. Affected: yes.